The following is an entry in ClinVar:

NM_032638.5(GATA2):c.430G>C (p.Ala144Pro)

Gene: GATA2 (GATA binding protein 2; minus strand). Cytogenetic location: 3q21.3.
Variant type: single nucleotide variant.
Coding change: c.430G>C on transcript NM_032638.5 (MANE Select); coding-DNA position 430, G replaced by C.
Protein change: p.Ala144Pro; replaces alanine 144 with proline.
Molecular consequence: missense variant.
Genome position (GRCh38, 1-based): chr3:128,486,168, C>G on the plus strand (G>C on the coding strand, the complement: GATA2 is on the minus strand). VCF-style: chr3-128486168-C-G. GRCh37 (hg19) VCF-style: chr3-128205011-C-G.
Other names: c.430G>C, p.Ala144Pro (NM_001145662.1, NM_001145661.2); short protein forms A144P.
Identifiers: ClinVar variation 5022202 (VCV005022202.1).

ClinVar aggregate classification (germline): Uncertain significance (1 of 4 stars; one submission).

Conditions:
Inborn genetic diseases. Identifiers: MedGen C0950123, MeSH D030342.

Submission:

Ambry Genetics
Classification: Uncertain significance for Inborn genetic diseases. Last evaluated: 2026-07-06. Review status: criteria provided, single submitter. Criteria: Ambry Variant Classification Scheme 2023. Collection method: clinical testing. Allele origin: germline.
Comment: The p.A144P variant (also known as c.430G>C), located in coding exon 2 of the GATA2 gene, results from a G to C substitution at nucleotide position 430. The alanine at codon 144 is replaced by proline, an amino acid with highly similar properties. This amino acid position is conserved. In addition, the in silico prediction for this alteration is inconclusive. Based on the available evidence, the clinical significance of this variant remains unclear.